The following is an entry in ClinVar:

NM_152328.5(ADSS1):c.193-4926A>C

Gene: ADSS1 (adenylosuccinate synthase 1; plus strand). Cytogenetic location: 14q32.33.
Variant type: single nucleotide variant.
Coding change: c.193-4926A>C on transcript NM_152328.5 (MANE Select); 4926 bases into the intron before coding-DNA position 193, A replaced by C.
Molecular consequence: intron variant. On other transcripts: 5 prime UTR variant (1), missense variant (1).
Genome position (GRCh38, 1-based): chr14:104,730,094, A>C. VCF-style: chr14-104730094-A-C. GRCh37 (hg19) VCF-style: chr14-105196431-A-C.
Other names: c.-526A>C (NM_001320424.1); c.202A>C, p.Thr68Pro (NM_199165.2); short protein forms T68P.
Identifiers: ClinVar variation 2184633 (VCV002184633.4), dbSNP rs141450204, ClinGen allele CA7373526.

ClinVar aggregate classification (germline): Uncertain significance (1 of 4 stars; one submission).

Allele frequency attached by ClinVar (database versions not stated): gnomAD 0.00001; gnomAD exomes 0.00002; TOPMed 0.00003; ESP Exome Variant Server 0.00008; ExAC 0.00014.
gnomAD v4.1: 28 of 1,552,712 alleles (0.0018%); highest among the groups gnomAD compares: Non-Finnish European, 0.00035%; no homozygotes.

Submission:

Labcorp Genetics (formerly Invitae), Labcorp
Classification: Uncertain significance. Last evaluated: 2024-12-09. Review status: criteria provided, single submitter. Criteria: Invitae Variant Classification Sherloc (09022015). Collection method: clinical testing. Allele origin: germline.
Comment: This sequence change replaces threonine, which is neutral and polar, with proline, which is neutral and non-polar, at codon 68 of the ADSSL1 protein (p.Thr68Pro). This variant is present in population databases (rs141450204, gnomAD 0.1%). This variant has not been reported in the literature in individuals affected with ADSSL1-related conditions. ClinVar contains an entry for this variant (Variation ID: 2184633). An algorithm developed to predict the effect of missense changes on protein structure and function outputs the following: PolyPhen-2: "Benign". The proline amino acid residue is found in multiple mammalian species, which suggests that this missense change does not adversely affect protein function. In summary, the available evidence is currently insufficient to determine the role of this variant in disease. Therefore, it has been classified as a Variant of Uncertain Significance.